The following is an entry in ClinVar:

ClinVar aggregate classification (germline): Likely benign (1 of 4 stars; one submission).

Allele frequency attached by ClinVar (database versions not stated): gnomAD 0.00004; ExAC 0.00005; TOPMed 0.00005; gnomAD exomes 0.00008.
gnomAD v4.1: 126 of 1,614,032 alleles (0.0078%); highest among the groups gnomAD compares: Middle Eastern, 0.016%; no homozygotes.

Submission:

CeGaT Center for Human Genetics Tuebingen
Classification: Likely benign. Last evaluated: 2023-01-01. Review status: criteria provided, single submitter. Criteria: CeGaT Center For Human Genetics Tuebingen Variant Classification Criteria Version 2. Collection method: clinical testing. Allele origin: germline. Affected: yes. Observed: 1 variant allele.
Comment: THSD1: BP4, BP7

NM_018676.4(THSD1):c.1698G>A (p.Ala566=)

Gene: THSD1 (thrombospondin type 1 domain containing 1; minus strand). Cytogenetic location: 13q14.3.
Variant type: single nucleotide variant.
Coding change: c.1698G>A on transcript NM_018676.4 (MANE Select); coding-DNA position 1698, G replaced by A.
Protein change: p.Ala566=; no amino-acid change (alanine 566 retained).
Molecular consequence: synonymous variant.
Genome position (GRCh38, 1-based): chr13:52,378,272, C>T on the plus strand (G>A on the coding strand, the complement: THSD1 is on the minus strand). VCF-style: chr13-52378272-C-T. GRCh37 (hg19) VCF-style: chr13-52952407-C-T.
Other names: c.1539G>A, p.Ala513= (NM_199263.3).
Identifiers: ClinVar variation 2498584 (VCV002498584.28), dbSNP rs753100705, ClinGen allele CA6991945.